The following is an entry in ClinVar:

GRCh38/hg38 Xq21.1(chrX:77456321-77702484)x2

Genes: ATRX (ATRX chromatin remodeler; minus strand), FGF16 (fibroblast growth factor 16; plus strand). Cytogenetic location: Xq21.1.
Variant type: copy number gain.
Change: copy number 2 of chrX:77,456,321-77,702,484 (246.2 kb, GRCh38 coordinates, 1-based), cytogenetic band Xq21.1.
Identifiers: ClinVar variation 57170 (VCV000057170.1).

ClinVar aggregate classification (germline): Pathogenic (1 of 4 stars; one submission).

Submission:

ISCA site 4
Classification: Pathogenic. Last evaluated: 2011-08-12. Review status: criteria provided, single submitter. Criteria: Kaminsky et al. (Genet Med. 2011). Collection method: clinical testing. Allele origin: unknown. Affected: yes. Observed: 1 variant allele.
Comment: Copy number variation identified through the course of routine clinical cytogenomic testing in postnatal populations. Clinical assertions have been curated as described in Kaminsky et al. 2011.